The following is an entry in ClinVar:

NM_000443.4(ABCB4):c.3370T>C (p.Cys1124Arg)

Gene: ABCB4 (ATP binding cassette subfamily B member 4; minus strand). Cytogenetic location: 7q21.12.
Variant type: single nucleotide variant.
Coding change: c.3370T>C on transcript NM_000443.4 (MANE Select); coding-DNA position 3370, T replaced by C.
Protein change: p.Cys1124Arg; replaces cysteine 1124 with arginine.
Molecular consequence: missense variant.
Genome position (GRCh38, 1-based): chr7:87,406,404, A>G on the plus strand (T>C on the coding strand, the complement: ABCB4 is on the minus strand). VCF-style: chr7-87406404-A-G. GRCh37 (hg19) VCF-style: chr7-87035720-A-G.
Other names: c.3229T>C, p.Cys1077Arg (NM_018850.3); c.3391T>C, p.Cys1131Arg (NM_018849.3); short protein forms C1077R, C1124R, C1131R.
Identifiers: ClinVar variation 4846411 (VCV004846411.1).
Genomic context (GRCh38, chr7:87,406,404, plus strand): 5'-TTTCATCCTGTGATACAACCCGGCTGTTGTCTCCATAGGCAATATTCTCGGCAATGCTGC[A>G]GTCAAATAGGATAGGCTCCTGAGACACGATTCCGAGTTGAGCTCTGAGCCACTGGACATT-3'
Protein context (NP_000434.1, residues 1114-1134): IVSQEPILFD[Cys1124Arg]SIAENIAYGD

ClinVar aggregate classification (germline): Uncertain significance (1 of 4 stars; one submission).

Conditions:
Familial intrahepatic cholestasis. Identifiers: Orphanet 284385, MedGen CN296401, MONDO:0017290.
Low phospholipid associated cholelithiasis (GBD1). Also called: Gallbladder disease 1; Gallstone cholecystitis. Identifiers: Orphanet 69663, MedGen C2609268, MONDO:0010939, OMIM 600803.

gnomAD v4.1: 1 of 1,614,152 alleles (0.000062%); highest among the groups gnomAD compares: South Asian, 0.0011%; no homozygotes.

Submission:

Genomenon, Inc
Classification: Uncertain significance for Familial intrahepatic cholestasis; Low phospholipid associated cholelithiasis. Last evaluated: 2026-04-14. Review status: criteria provided, single submitter. Criteria: Genomenon Sequence Variant Interpretation Standards - Updated. Collection method: curation. Allele origin: germline. Affected: no.
Comment: ABCB4 p.Cys1124Arg (c.3370T>C) is a missense variant that changes the amino acid at residue 1124 from Cysteine to Arginine. This variant has been reported in the published literature (PMID:37208429). It is absent or not present at a significant frequency in gnomAD. In silico models predict that this variant is possibly or probably damaging. In conclusion, we classify ABCB4 p.Cys1124Arg (c.3370T>C) as a variant of uncertain significance.

Literature cited by the submitters: PubMed 37208429.